The following is an entry in ClinVar:

ClinVar aggregate classification (germline): Pathogenic/Likely pathogenic. Review status: criteria provided, multiple submitters, no conflicts (2 of 4 stars). 2 submissions from 2 submitters: Pathogenic (1); Likely pathogenic (1). Last evaluated 2025-07-04.

Conditions:
Familial thoracic aortic aneurysm and aortic dissection (TAAD). Also called: Thoracic aortic aneurysms and dissections. Identifiers: Orphanet 91387, MedGen C4707243, MONDO:0019625.
Marfan syndrome (MFS). Also called: MARFAN SYNDROME, TYPE I; Marfan syndrome type 1; Marfan's syndrome; FBN1-Related Marfan Syndrome; Marfan syndrome, classic. Identifiers: Orphanet 284963, Orphanet 558, MedGen C0024796, MONDO:0007947, OMIM 154700.

Submissions (2):

Ambry Genetics
Classification: Pathogenic for Familial thoracic aortic aneurysm and aortic dissection. Last evaluated: 2025-07-04. Review status: criteria provided, single submitter. Criteria: Ambry Variant Classification Scheme 2023. Collection method: clinical testing. Allele origin: germline.
Comment: The c.2168-1delG pathogenic mutation results from a deletion of 1 nucleotide at c.2168-1 and involves the canonical splice acceptor site before coding exon 18 of the FBN1 gene. This variant was reported in individual(s) with features consistent with Marfan syndrome (Ambry internal data). Other variant(s) impacting the same acceptor site (c.2168-2A>G) have been identified in individual(s) with features consistent with Marfan syndrome (Katzke S et al. Hum Mutat. 2002;20(3):197-208; Ambry internal data). This nucleotide position is highly conserved in available vertebrate species. In addition, in silico splice site analysis predicts that this alteration will weaken the native splice acceptor site and will result in the creation or strengthening of a novel splice acceptor site. This variant is considered to be rare based on population cohorts in the Genome Aggregation Database (gnomAD). Alterations that disrupt the canonical splice site are expected to cause aberrant splicing, resulting in an abnormal protein or a transcript that is subject to nonsense-mediated mRNA decay. As such, this alteration is interpreted as a disease-causing mutation.

All of Us Research Program, National Institutes of Health
Classification: Likely pathogenic for Marfan syndrome. Last evaluated: 2024-03-24. Review status: criteria provided, single submitter. Criteria: ACMG Guidelines, 2015. Collection method: clinical testing. Allele origin: germline. Inheritance: Autosomal dominant inheritance. Observed: 1 variant allele, 1 heterozygote.
Comment: This variant affects canonical -1 splice site position in intron 18 of the FBN1 gene. Computational splicing tools predict that this variant may have a significant impact on RNA splicing. Although, to our knowledge, RNA study has not been performed to confirm this prediction, this variant is expected to result in a disrupted protein product. This variant has not been reported in individuals affected with FBN1-related disorders in the literature. This variant has not been identified in the general population by the Genome Aggregation Database (gnomAD). Loss of FBN1 function is a known mechanism of disease. Based on the available evidence, this variant is classified as Likely Pathogenic.

This study involves interpretation of variants in research participants for the purpose of population health screening. Participant phenotype was not available at the time of variant classification. Additional details can be found in publication PMID: 35346344, PMCID: PMC8962531

NM_000138.5(FBN1):c.2168-1del

Gene: FBN1 (fibrillin 1; minus strand). Cytogenetic location: 15q21.1.
Variant type: Deletion.
Coding change: c.2168-1del on transcript NM_000138.5 (MANE Select); the canonical splice acceptor site of the intron before coding-DNA position 2168, one base deleted (G; older notation c.2168-1delG).
Molecular consequence: splice acceptor variant.
Genome position (GRCh38, 1-based): chr15:48,497,392, C deleted on the plus strand (G on the coding strand, the reverse complement: FBN1 is on the minus strand). VCF-style (leftmost placement, unchanged base first): chr15-48497391-TC-T. GRCh37 (hg19) VCF-style: chr15-48789588-TC-T.
Other names: c.2168-1delG (NM_000138.4); c.2168-1del (NM_001406716.1).
Identifiers: ClinVar variation 3386841 (VCV003386841.2).